The following is an entry in ClinVar:

ClinVar aggregate classification (germline): Uncertain significance (1 of 4 stars; one submission).

Conditions:
Hereditary cancer-predisposing syndrome. Also called: Tumor predisposition; Hereditary Cancer Syndrome; Hereditary neoplastic syndrome; Neoplastic Syndromes, Hereditary. Identifiers: Orphanet 140162, MedGen C0027672, MeSH D009386, MONDO:0015356.

Submission:

Ambry Genetics
Classification: Uncertain significance for Hereditary cancer-predisposing syndrome. Last evaluated: 2026-01-29. Review status: criteria provided, single submitter. Criteria: Ambry Variant Classification Scheme 2023. Collection method: clinical testing. Allele origin: germline.
Comment: The p.V255G variant (also known as c.764T>G), located in coding exon 6 of the FH gene, results from a T to G substitution at nucleotide position 764. The valine at codon 255 is replaced by glycine, an amino acid with dissimilar properties. This amino acid position is not well conserved in available vertebrate species. In addition, this alteration is predicted to be deleterious by in silico analysis. Based on the available evidence, the clinical significance of this variant remains unclear.

NM_000143.4(FH):c.764T>G (p.Val255Gly)

Gene: FH (fumarate hydratase; minus strand). Cytogenetic location: 1q43.
Variant type: single nucleotide variant.
Coding change: c.764T>G on transcript NM_000143.4 (MANE Select); coding-DNA position 764, T replaced by G.
Protein change: p.Val255Gly; replaces valine 255 with glycine.
Molecular consequence: missense variant.
Genome position (GRCh38, 1-based): chr1:241,506,143, A>C on the plus strand (T>G on the coding strand, the complement: FH is on the minus strand). VCF-style: chr1-241506143-A-C. GRCh37 (hg19) VCF-style: chr1-241669443-A-C.
Other names: short protein forms V255G.
Identifiers: ClinVar variation 1759983 (VCV001759983.3), dbSNP rs2527323123, ClinGen allele CA345439070.